The following is an entry in ClinVar:

ClinVar aggregate classification (germline): Uncertain significance (1 of 4 stars; one submission).

Conditions:
Hereditary cancer-predisposing syndrome. Also called: Neoplastic Syndromes, Hereditary; Hereditary Cancer Syndrome; Tumor predisposition; Hereditary neoplastic syndrome. Identifiers: Orphanet 140162, MedGen C0027672, MeSH D009386, MONDO:0015356.

Submission:

Ambry Genetics
Classification: Uncertain significance for Hereditary cancer-predisposing syndrome. Last evaluated: 2025-02-21. Review status: criteria provided, single submitter. Criteria: Ambry Variant Classification Scheme 2023. Collection method: clinical testing. Allele origin: germline.
Comment: The p.H333R variant (also known as c.998A>G), located in coding exon 5 of the RET gene, results from an A to G substitution at nucleotide position 998. The histidine at codon 333 is replaced by arginine, an amino acid with highly similar properties. This amino acid position is conserved. In addition, the in silico prediction for this alteration is inconclusive. Based on the available evidence, the clinical significance of this variant remains unclear.

NM_020975.6(RET):c.998A>G (p.His333Arg)

Gene: RET (ret proto-oncogene; plus strand). Cytogenetic location: 10q11.21.
Variant type: single nucleotide variant.
Coding change: c.998A>G on transcript NM_020975.6 (MANE Select); coding-DNA position 998, A replaced by G.
Protein change: p.His333Arg; replaces histidine 333 with arginine.
Molecular consequence: missense variant. On other transcripts: intron variant (25).
Genome position (GRCh38, 1-based): chr10:43,106,506, A>G. VCF-style: chr10-43106506-A-G. GRCh37 (hg19) VCF-style: chr10-43601954-A-G.
Other names: c.236A>G, p.His79Arg (NM_001355216.2); c.998A>G, p.His333Arg (NM_001406743.1, NM_001406744.1, NM_001406759.1 and 4 more transcripts); c.869A>G, p.His290Arg (NM_001406761.1, NM_001406762.1, NM_001406764.1 and 1 more transcripts); c.710A>G, p.His237Arg (NM_001406766.1, NM_001406767.1, NM_001406770.1); c.867+1313A>G (NM_001406772.1, NM_001406769.1); c.626-2525A>G (NM_001406773.1, NM_001406771.1); c.625+3877A>G (NM_001406782.1, NM_001406780.1, NM_001406779.1 and 3 more transcripts); c.738+1313A>G (NM_001406774.1); and 5 more; short protein forms H290R, H79R, H237R, H333R.
Identifiers: ClinVar variation 3788346 (VCV003788346.1).